The following is an entry in ClinVar:

NM_001354768.3(NRL):c.151C>T (p.Pro51Ser)

Gene: NRL (neural retina leucine zipper; minus strand). Cytogenetic location: 14q11.2.
Variant type: single nucleotide variant.
Coding change: c.151C>T on transcript NM_001354768.3 (MANE Select); coding-DNA position 151, C replaced by T.
Protein change: p.Pro51Ser; replaces proline 51 with serine.
Molecular consequence: missense variant. On other transcripts: intron variant (1).
Genome position (GRCh38, 1-based): chr14:24,082,698, G>A on the plus strand (C>T on the coding strand, the complement: NRL is on the minus strand). VCF-style: chr14-24082698-G-A. GRCh37 (hg19) VCF-style: chr14-24551907-G-A.
Other names: c.151C>T, p.Pro51Ser (NM_001354769.1, NM_006177.5); c.66+85C>T (NM_001354770.2); short protein forms P51S.
Identifiers: ClinVar variation 195258 (VCV000195258.17), dbSNP rs794727281, ClinGen allele CA275077.
Genomic context (GRCh38, chr14:24,082,698, plus strand): 5'-CCTCCAGGCCTGGCCGGGTGCCCTCGGTTGCCCCCACCATGCCTGGTTCACTGAAGGTGG[G>A]TGAAGGAGGCACTGAGCTGTAAGGTGTGGAGCCCAGTGAGGCTGTAGGGGGGCCAGGTCG-3'
Protein context (NP_001341697.1, residues 41-61): STPYSSVPPS[Pro51Ser]TFSEPGMVGA

ClinVar aggregate classification (germline): Pathogenic/Likely pathogenic. Review status: criteria provided, multiple submitters, no conflicts (2 of 4 stars). 5 submissions from 5 submitters: Pathogenic (4); Likely pathogenic (1). Last evaluated 2024-02-24.

Conditions:
NRL-related disorders.
Retinitis pigmentosa 27 (RP27). Identifiers: Orphanet 791, MedGen C1834329, MONDO:0013402, OMIM 613750.

Submissions (5):

Labcorp Genetics (formerly Invitae), Labcorp
Classification: Pathogenic. Last evaluated: 2024-02-24. Review status: criteria provided, single submitter. Criteria: Invitae Variant Classification Sherloc (09022015). Collection method: clinical testing. Allele origin: germline.
Comment: This sequence change replaces proline, which is neutral and non-polar, with serine, which is neutral and polar, at codon 51 of the NRL protein (p.Pro51Ser). This variant is not present in population databases (gnomAD no frequency). This missense change has been observed in individuals with autosomal dominant retinitis pigmentosa (PMID: 15591106; Invitae). ClinVar contains an entry for this variant (Variation ID: 195258). An algorithm developed to predict the effect of missense changes on protein structure and function (PolyPhen-2) suggests that this variant is likely to be disruptive. Experimental studies have shown that this missense change affects NRL function (PMID: 15591106). This variant disrupts the p.Pro51 amino acid residue in NRL. Other variant(s) that disrupt this residue have been determined to be pathogenic (PMID: 11385710, 11879142, 17335001, 21981118). This suggests that this residue is clinically significant, and that variants that disrupt this residue are likely to be disease-causing. For these reasons, this variant has been classified as Pathogenic.

Blueprint Genetics
Classification: Pathogenic for NRL-related disorders. Last evaluated: 2022-07-05. Review status: criteria provided, single submitter. Criteria: ACMG Guidelines, 2015. Collection method: clinical testing. Allele origin: germline. Affected: yes. Observed: 4 variant alleles.

Ocular Genomics Institute, Massachusetts Eye and Ear
Classification: Likely pathogenic for Retinitis pigmentosa 27. Last evaluated: 2021-04-08. Review status: criteria provided, single submitter. Criteria: ACMG Guidelines, 2015. Collection method: research. Allele origin: germline. Affected: yes.
Comment: Through a review of available evidence we were able to apply the following criteria: PM2, PM1, PS3. Based on this evidence we have classified this variant as Likely Pathogenic.

GeneDx
Classification: Pathogenic. Last evaluated: 2020-10-29. Review status: criteria provided, single submitter. Criteria: GeneDx Variant Classification Process June 2021. Collection method: clinical testing. Allele origin: germline. Affected: yes.
Comment: Published functional studies demonstrate a damaging effect with a decrease in NRL isoforms upon phosphatase treatment and an increase in transactivation of the rhodopsin promoter, consistent with decreased NRL phosphorylation (Kanda et al., 2007); Not observed in large population cohorts (Lek et al., 2016); In silico analysis supports that this missense variant has a deleterious effect on protein structure/function; This variant is associated with the following publications: (PMID: 11879142, 10627948, 28106895, 21981118, 19933183, 19501669, 15591106, 32962414, 17335001, 11385710)

Eurofins Ntd Llc (ga)
Classification: Pathogenic. Last evaluated: 2015-03-27. Review status: criteria provided, single submitter. Criteria: EGL Classification Definitions 2015. Collection method: clinical testing. Allele origin: germline. Observed: 3 variant alleles, 3 heterozygotes.

Literature cited by the submitters: PubMed 15591106 (cited by 3 submitters); PubMed 11385710 (cited by Labcorp Genetics (formerly Invitae), Labcorp and Ocular Genomics Institute, Massachusetts Eye and Ear); PubMed 11879142 (cited by Labcorp Genetics (formerly Invitae), Labcorp and Ocular Genomics Institute, Massachusetts Eye and Ear); PubMed 17335001 (cited by 3 submitters); PubMed 21981118 (cited by Labcorp Genetics (formerly Invitae), Labcorp and Ocular Genomics Institute, Massachusetts Eye and Ear).